The following is an entry in ClinVar:

NM_018714.3(COG1):c.2675C>G (p.Thr892Arg)

Gene: COG1 (component of oligomeric golgi complex 1; plus strand). Cytogenetic location: 17q25.1.
Variant type: single nucleotide variant.
Coding change: c.2675C>G on transcript NM_018714.3 (MANE Select); coding-DNA position 2675, C replaced by G.
Protein change: p.Thr892Arg; replaces threonine 892 with arginine.
Molecular consequence: missense variant.
Genome position (GRCh38, 1-based): chr17:73,206,763, C>G. VCF-style: chr17-73206763-C-G. GRCh37 (hg19) VCF-style: chr17-71202902-C-G.
Other names: short protein forms T892R.
Identifiers: ClinVar variation 1047748 (VCV001047748.8), dbSNP rs751977123, ClinGen allele CA400896783.

ClinVar aggregate classification (germline): Uncertain significance (1 of 4 stars; one submission).

Conditions:
COG1 congenital disorder of glycosylation (CDG2G). Also called: CDG IIg; CDGII/COG1 CEREBROCOSTOMANDIBULAR-LIKE SYNDROME; CONGENITAL DISORDER OF GLYCOSYLATION, TYPE IIg. Identifiers: Orphanet 263508, MedGen C2931011, MONDO:0012637, OMIM 611209.

gnomAD v4.1: 1 of 1,613,042 alleles (0.000062%); no homozygotes.

Submission:

Labcorp Genetics (formerly Invitae), Labcorp
Classification: Uncertain significance for COG1 congenital disorder of glycosylation. Last evaluated: 2020-10-11. Review status: criteria provided, single submitter. Criteria: Invitae Variant Classification Sherloc (09022015). Collection method: clinical testing. Allele origin: germline.
Comment: This variant is not present in population databases (ExAC no frequency). This variant has not been reported in the literature in individuals with COG1-related conditions. Algorithms developed to predict the effect of missense changes on protein structure and function are either unavailable or do not agree on the potential impact of this missense change (SIFT: "Deleterious"; PolyPhen-2: "Benign"; Align-GVGD: "Class C0"). In summary, the available evidence is currently insufficient to determine the role of this variant in disease. Therefore, it has been classified as a Variant of Uncertain Significance. This sequence change replaces threonine with arginine at codon 892 of the COG1 protein (p.Thr892Arg). The threonine residue is moderately conserved and there is a moderate physicochemical difference between threonine and arginine.